The following is an entry in ClinVar:

ClinVar aggregate classification (germline): Uncertain significance (1 of 4 stars; one submission).

Submission:

GeneDx
Classification: Uncertain significance. Last evaluated: 2022-11-23. Review status: criteria provided, single submitter. Criteria: GeneDx Variant Classification Process June 2021. Collection method: clinical testing. Allele origin: germline. Affected: yes.
Comment: Not observed at significant frequency in large population cohorts (gnomAD); In silico analysis supports that this missense variant does not alter protein structure/function; Has not been previously published as pathogenic or benign to our knowledge

NM_017649.5(CNNM2):c.2603G>A (p.Ser868Asn)

Gene: CNNM2 (cyclin and CBS domain divalent metal cation transport mediator 2; plus strand). Cytogenetic location: 10q24.32.
Variant type: single nucleotide variant.
Coding change: c.2603G>A on transcript NM_017649.5 (MANE Select); coding-DNA position 2603, G replaced by A.
Protein change: p.Ser868Asn; replaces serine 868 with asparagine.
Molecular consequence: missense variant.
Genome position (GRCh38, 1-based): chr10:103,077,155, G>A. VCF-style: chr10-103077155-G-A. GRCh37 (hg19) VCF-style: chr10-104836912-G-A.
Other names: c.2537G>A, p.Ser846Asn (NM_199076.3); short protein forms S846N, S868N.
Identifiers: ClinVar variation 2503151 (VCV002503151.1), dbSNP rs776439020, ClinGen allele CA377965356.